The following is an entry in ClinVar:

ClinVar aggregate classification (germline): Pathogenic (1 of 4 stars; one submission).

Conditions:
Ehlers-Danlos syndrome, classic type, 1 (EDSCL1). Also called: EHLERS-DANLOS SYNDROME, GRAVIS TYPE; EHLERS-DANLOS SYNDROME, SEVERE CLASSIC TYPE; EDS I; Ehlers-Danlos Syndrome, Classic Type, COL5A1-Related; Ehlers-Danlos syndrome, type 1. Identifiers: MedGen C0268335, MONDO:0019567, OMIM 130000.

Submission:

Labcorp Genetics (formerly Invitae), Labcorp
Classification: Pathogenic for Ehlers-Danlos syndrome, classic type, 1. Last evaluated: 2020-03-23. Review status: criteria provided, single submitter. Criteria: Invitae Variant Classification Sherloc (09022015). Collection method: clinical testing. Allele origin: germline.
Comment: This variant has been observed in individual(s) with clinical features of Ehlers-Danlos syndrome (Invitae). In at least one individual the variant was observed to be de novo. This variant results in a copy number gain of the genomic region encompassing exons 5-42 of the COL5A1 gene. While the exact position of this variant cannot be determined from this data, sub-genic copy number gains are generally in tandem (PMID: 25640679). This variant would be expected to be in-frame, preserving the integrity of the reading frame. Experimental studies and prediction algorithms are not available or were not evaluated, and the functional significance of this variant is currently unknown. For these reasons, this variant has been classified as Pathogenic.

Literature cited by the submitters: PubMed 25640679.

NC_000009.11:g.(?_137619102)_(137698152_?)dup

Gene: COL5A1 (collagen type V alpha 1 chain; plus strand). Cytogenetic location: 9q34.3.
Variant type: Duplication.
Identifiers: ClinVar variation 1076743 (VCV001076743.46).